The following is an entry in ClinVar:

NM_016616.5(NME8):c.286G>A (p.Glu96Lys)

Gene: NME8 (NME/NM23 family member 8; plus strand). Cytogenetic location: 7p14.1.
Variant type: single nucleotide variant.
Coding change: c.286G>A on transcript NM_016616.5 (MANE Select); coding-DNA position 286, G replaced by A.
Protein change: p.Glu96Lys; replaces glutamic acid 96 with lysine.
Molecular consequence: missense variant.
Genome position (GRCh38, 1-based): chr7:37,862,043, G>A. VCF-style: chr7-37862043-G-A. GRCh37 (hg19) VCF-style: chr7-37901645-G-A.
Other names: c.286G>A (NM_016616.4); short protein forms E96K.
Identifiers: ClinVar variation 2164625 (VCV002164625.5), dbSNP rs368696812, ClinGen allele CA4222142.

ClinVar aggregate classification (germline): Uncertain significance. Review status: criteria provided, multiple submitters, no conflicts (2 of 4 stars). 2 submissions from 2 submitters: Uncertain significance (2). Last evaluated 2025-02-03.

Conditions:
Primary ciliary dyskinesia 6. Also called: Primary Ciliary Dyskinesia 6: TXNDC3-Related Primary Ciliary Dyskinesia. Identifiers: Orphanet 244, MedGen C1970506, MONDO:0012571, OMIM 610852.
Primary ciliary dyskinesia. Also called: Ciliary dyskinesia. Identifiers: Orphanet 244, MedGen C0008780, MONDO:0016575, HP:0012265.

Allele frequency attached by ClinVar (database versions not stated): gnomAD 0.00001; TOPMed 0.00003; ExAC 0.00004.
gnomAD v4.1: 56 of 1,612,928 alleles (0.0035%); highest among the groups gnomAD compares: Admixed American, 0.01%; no homozygotes.

Submissions (2):

Labcorp Genetics (formerly Invitae), Labcorp
Classification: Uncertain significance for Primary ciliary dyskinesia 6. Last evaluated: 2025-02-03. Review status: criteria provided, single submitter. Criteria: Invitae Variant Classification Sherloc (09022015). Collection method: clinical testing. Allele origin: germline.
Comment: This sequence change replaces glutamic acid, which is acidic and polar, with lysine, which is basic and polar, at codon 96 of the NME8 protein (p.Glu96Lys). This variant is present in population databases (rs368696812, gnomAD 0.01%). This variant has not been reported in the literature in individuals affected with NME8-related conditions. ClinVar contains an entry for this variant (Variation ID: 2164625). Invitae Evidence Modeling of protein sequence and biophysical properties (such as structural, functional, and spatial information, amino acid conservation, physicochemical variation, residue mobility, and thermodynamic stability) indicates that this missense variant is not expected to disrupt NME8 protein function with a negative predictive value of 80%. Algorithms developed to predict the effect of sequence changes on RNA splicing suggest that this variant may disrupt the consensus splice site. In summary, the available evidence is currently insufficient to determine the role of this variant in disease. Therefore, it has been classified as a Variant of Uncertain Significance.

Ambry Genetics
Classification: Uncertain significance for Primary ciliary dyskinesia. Last evaluated: 2024-09-20. Review status: criteria provided, single submitter. Criteria: Ambry Variant Classification Scheme 2023. Collection method: clinical testing. Allele origin: germline.
Comment: The p.E96K variant (also known as c.286G>A), located in coding exon 5 of the NME8 gene, results from a G to A substitution at nucleotide position 286. The glutamic acid at codon 96 is replaced by lysine, an amino acid with similar properties. This amino acid position is conserved. In addition, this alteration is predicted to be tolerated by in silico analysis. Based on the available evidence, the clinical significance of this variant remains unclear.